The following is an entry in ClinVar:

NM_002291.3(LAMB1):c.1694G>A (p.Gly565Glu)

Gene: LAMB1 (laminin subunit beta 1; minus strand). Cytogenetic location: 7q31.1.
Variant type: single nucleotide variant.
Coding change: c.1694G>A on transcript NM_002291.3 (MANE Select); coding-DNA position 1694, G replaced by A.
Protein change: p.Gly565Glu; replaces glycine 565 with glutamic acid.
Molecular consequence: missense variant.
Genome position (GRCh38, 1-based): chr7:107,964,556, C>T on the plus strand (G>A on the coding strand, the complement: LAMB1 is on the minus strand). VCF-style: chr7-107964556-C-T. GRCh37 (hg19) VCF-style: chr7-107605001-C-T.
Other names: short protein forms G565E.
Identifiers: ClinVar variation 1683589 (VCV001683589.4), dbSNP rs376567054, ClinGen allele CA4435934.
Genomic context (GRCh38, chr7:107,964,556, plus strand): 5'-TTCCACTACACCCCAAAACACTGCTTTACCGACCTGCCACACACTCCCCTACTCACAGGC[C>T]CCAAGTTGGCTTCCTCCGCTTCATAGAGGTAGTGATCCAGGGTGGCAAAGTAGTAACCAG-3'
Protein context (NP_002282.2, residues 555-575): YLYEAEEANL[Gly565Glu]PGVSIVERQY

ClinVar aggregate classification (germline): Uncertain significance. Review status: criteria provided, multiple submitters, no conflicts (2 of 4 stars). 2 submissions from 2 submitters: Uncertain significance (2). Last evaluated 2022-06-15.

Conditions:
Cobblestone lissencephaly without muscular or ocular involvement. Also called: Lissencephaly 5; LEUKOENCEPHALOPATHY WITH VARIABLE CORTICAL BRAIN MALFORMATIONS AND/OR HYDROCEPHALUS. Identifiers: Orphanet 352682, MedGen C3554657, MONDO:0014077, OMIM 615191.

Allele frequency attached by ClinVar (database versions not stated): gnomAD exomes 0.00004 and 0.00003; ESP Exome Variant Server 0.00008; TOPMed 0.00004; gnomAD 0.00004; ExAC 0.00004.
gnomAD v4.1: 55 of 1,614,028 alleles (0.0034%); highest among the groups gnomAD compares: Non-Finnish European, 0.0031%; no homozygotes.

Submissions (2):

Labcorp Genetics (formerly Invitae), Labcorp
Classification: Uncertain significance. Last evaluated: 2022-06-15. Review status: criteria provided, single submitter. Criteria: Invitae Variant Classification Sherloc (09022015). Collection method: clinical testing. Allele origin: germline.
Comment: This sequence change replaces glycine, which is neutral and non-polar, with glutamic acid, which is acidic and polar, at codon 565 of the LAMB1 protein (p.Gly565Glu). This variant is present in population databases (rs376567054, gnomAD 0.04%). This variant has not been reported in the literature in individuals affected with LAMB1-related conditions. Algorithms developed to predict the effect of missense changes on protein structure and function (SIFT, PolyPhen-2, Align-GVGD) all suggest that this variant is likely to be disruptive. In summary, the available evidence is currently insufficient to determine the role of this variant in disease. Therefore, it has been classified as a Variant of Uncertain Significance.

Laboratorio de Genetica e Diagnostico Molecular, Hospital Israelita Albert Einstein
Classification: Uncertain significance for Cobblestone lissencephaly without muscular or ocular involvement. Last evaluated: 2021-05-27. Review status: criteria provided, single submitter. Criteria: ACMG Guidelines, 2015. Collection method: clinical testing. Allele origin: germline. Affected: yes.
Comment: ACMG classification criteria: PM2 moderate, BP4 supporting